The following is an entry in ClinVar:

NM_006070.6(TFG):c.875G>C (p.Gly292Ala)

Gene: TFG (trafficking from ER to golgi regulator; plus strand). Cytogenetic location: 3q12.2.
Variant type: single nucleotide variant.
Coding change: c.875G>C on transcript NM_006070.6 (MANE Select); coding-DNA position 875, G replaced by C.
Protein change: p.Gly292Ala; replaces glycine 292 with alanine.
Molecular consequence: missense variant.
Genome position (GRCh38, 1-based): chr3:100,748,203, G>C. VCF-style: chr3-100748203-G-C. GRCh37 (hg19) VCF-style: chr3-100467047-G-C.
Other names: c.875G>C, p.Gly292Ala (NM_001007565.2, NM_001195478.2); c.863G>C, p.Gly288Ala (NM_001195479.2); short protein forms G288A, G292A.
Identifiers: ClinVar variation 1717050 (VCV001717050.5), dbSNP rs2472157003, ClinGen allele CA353852902.
Genomic context (GRCh38, chr3:100,748,203, plus strand): 5'-TTTCAGCAAGCTATAGTCAGCAGACTGGACCTCAACAACCTCAGCAGTTCCAGGGATATG[G>C]CCAGCAACCAACTTCCCAGGCACCAGCTCCTGCCTTTTCTGGTCAGCCTCAACAACTGCC-3'
Protein context (NP_006061.2, residues 282-302): PQQPQQFQGY[Gly292Ala]QQPTSQAPAP

ClinVar aggregate classification (germline): Uncertain significance (1 of 4 stars; one submission).

Conditions:
Hereditary motor and sensory neuropathy, Okinawa type (HMSNO). Also called: HEREDITARY MOTOR AND SENSORY NEUROPATHY, PROXIMAL TYPE. Identifiers: Orphanet 90117, MedGen C1858338, MONDO:0011468, OMIM 604484.
Hereditary spastic paraplegia 57. Also called: Spastic paraplegia 57, autosomal recessive. Identifiers: Orphanet 431329, MedGen C3714897, MONDO:0014295, OMIM 615658.

Submission:

Labcorp Genetics (formerly Invitae), Labcorp
Classification: Uncertain significance for Hereditary motor and sensory neuropathy, Okinawa type; Hereditary spastic paraplegia 57. Last evaluated: 2022-08-20. Review status: criteria provided, single submitter. Criteria: Invitae Variant Classification Sherloc (09022015). Collection method: clinical testing. Allele origin: germline.
Comment: In summary, the available evidence is currently insufficient to determine the role of this variant in disease. Therefore, it has been classified as a Variant of Uncertain Significance. Algorithms developed to predict the effect of missense changes on protein structure and function output the following: SIFT: "Tolerated"; PolyPhen-2: "Benign"; Align-GVGD: "Class C0". The alanine amino acid residue is found in multiple mammalian species, which suggests that this missense change does not adversely affect protein function. This variant has not been reported in the literature in individuals affected with TFG-related conditions. This variant is not present in population databases (gnomAD no frequency). This sequence change replaces glycine, which is neutral and non-polar, with alanine, which is neutral and non-polar, at codon 292 of the TFG protein (p.Gly292Ala).